The following is an entry in ClinVar:

ClinVar aggregate classification (germline): Likely pathogenic. Review status: criteria provided, single submitter (1 of 4 stars). 2 submissions from 2 submitters: Likely pathogenic (1). 1 of the submissions does not count toward it. Last evaluated 2022-10-17.

Conditions:
Ziegler-Huang syndrome (ZHS). Also called: BONE MARROW FAILURE SYNDROME 8. Identifiers: MedGen C5882688, MONDO:0957595, OMIM 620501.
Testicular atrophy. Identifiers: MedGen C0156312, MONDO:0001415, HP:0000029.

Submissions (2):

Department of Genetics, CHU d'Angers
Classification: Likely pathogenic for Testicular atrophy. Last evaluated: 2022-10-17. Review status: criteria provided, single submitter. Criteria: ACMG Guidelines, 2015. Collection method: clinical testing. Allele origin: biparental. Inheritance: Autosomal recessive inheritance. Affected: yes. Observed: 1 compound heterozygote.
Comment: This variant was shown to induce leaky alternative splicing.

OMIM
Classification: Pathogenic for ZIEGLER-HUANG SYNDROME (1 family). Last evaluated: 2024-01-08. Review status: no assertion criteria provided. Collection method: literature only. Allele origin: germline. Not counted in ClinVar's aggregate classification.

Literature cited by the submitters: PubMed 36821639 (cited by OMIM).

NM_133496.5(SLC30A7):c.842+15T>C

Gene: SLC30A7 (solute carrier family 30 member 7; plus strand). Cytogenetic location: 1p21.2.
Variant type: single nucleotide variant.
Coding change: c.842+15T>C on transcript NM_133496.5 (MANE Select); 15 bases into the intron after coding-DNA position 842, T replaced by C.
Molecular consequence: intron variant.
Genome position (GRCh38, 1-based): chr1:100,921,856, T>C. VCF-style: chr1-100921856-T-C. GRCh37 (hg19) VCF-style: chr1-101387412-T-C.
Other names: IVS8, T-C, +15; c.842+15T>C (NM_001144884.2).
Identifiers: ClinVar variation 1711193 (VCV001711193.6), dbSNP rs2524688991, ClinGen allele CA2580060693.